The following is an entry in ClinVar:

ClinVar aggregate classification (germline): Uncertain significance. Review status: criteria provided, multiple submitters, no conflicts (2 of 4 stars). 3 submissions from 3 submitters: Uncertain significance (3). Last evaluated 2024-04-26.

Conditions:
Inborn genetic diseases. Identifiers: MedGen C0950123, MeSH D030342.

Allele frequency attached by ClinVar (database versions not stated): ESP Exome Variant Server 0.00008.
gnomAD v4.1: 42 of 1,613,638 alleles (0.0026%); highest among the groups gnomAD compares: Non-Finnish European, 0.0035%; no homozygotes.

Submissions (3):

Labcorp Genetics (formerly Invitae), Labcorp
Classification: Uncertain significance. Last evaluated: 2024-04-26. Review status: criteria provided, single submitter. Criteria: Invitae Variant Classification Sherloc (09022015). Collection method: clinical testing. Allele origin: germline.
Comment: This sequence change replaces arginine, which is basic and polar, with proline, which is neutral and non-polar, at codon 531 of the PDE6B protein (p.Arg531Pro). This variant is present in population databases (rs144664551, gnomAD 0.004%). This variant has not been reported in the literature in individuals affected with PDE6B-related conditions. ClinVar contains an entry for this variant (Variation ID: 1051065). Advanced modeling of protein sequence and biophysical properties (such as structural, functional, and spatial information, amino acid conservation, physicochemical variation, residue mobility, and thermodynamic stability) performed at Invitae indicates that this missense variant is not expected to disrupt PDE6B protein function with a negative predictive value of 95%. In summary, the available evidence is currently insufficient to determine the role of this variant in disease. Therefore, it has been classified as a Variant of Uncertain Significance.

Ambry Genetics
Classification: Uncertain significance for Inborn genetic diseases. Last evaluated: 2024-01-31. Review status: criteria provided, single submitter. Criteria: Ambry Variant Classification Scheme 2023. Collection method: clinical testing. Allele origin: germline.

Blueprint Genetics
Classification: Uncertain significance. Last evaluated: 2020-10-13. Review status: criteria provided, single submitter. Criteria: ACMG Guidelines, 2015. Collection method: clinical testing. Allele origin: germline.

NM_000283.4(PDE6B):c.1592G>C (p.Arg531Pro)

Gene: PDE6B (phosphodiesterase 6B; plus strand). Cytogenetic location: 4p16.3.
Variant type: single nucleotide variant.
Coding change: c.1592G>C on transcript NM_000283.4 (MANE Select); coding-DNA position 1592, G replaced by C.
Protein change: p.Arg531Pro; replaces arginine 531 with proline.
Molecular consequence: missense variant.
Genome position (GRCh38, 1-based): chr4:660,591, G>C. VCF-style: chr4-660591-G-C. GRCh37 (hg19) VCF-style: chr4-654380-G-C.
Other names: c.1592G>C, p.Arg531Pro (NM_001145291.2); c.755G>C, p.Arg252Pro (NM_001145292.2, NM_001350154.3, NM_001379246.1 and 1 more transcripts); c.437G>C, p.Arg146Pro (NM_001350155.3); c.1592G>C (NM_000283.3); short protein forms R146P, R252P, R531P.
Identifiers: ClinVar variation 1051065 (VCV001051065.12), dbSNP rs144664551, ClinGen allele CA2794586.